The following is an entry in ClinVar:

ClinVar aggregate classification (germline): Uncertain significance (1 of 4 stars; one submission).

Conditions:
Cardiomyopathy (CMYO). Also called: Cardiomyopathies. Identifiers: Orphanet 167848, MedGen C0878544, MONDO:0004994, HP:0001638. Inheritance: Various modes of inheritance.

gnomAD v4.1: 2 of 1,612,732 alleles (0.00012%); highest among the groups gnomAD compares: Non-Finnish European, 0.000085%; no homozygotes.

Submission:

Color Diagnostics, LLC DBA Color Health
Classification: Uncertain significance for Cardiomyopathy. Last evaluated: 2024-05-04. Review status: criteria provided, single submitter. Criteria: ACMG Guidelines, 2015. Collection method: clinical testing. Allele origin: germline.
Comment: This missense variant replaces glutamine with arginine at codon 1098 of the MYH7 protein. Computational prediction suggests that this variant may have deleterious impact on protein structure and function (internally defined REVEL score threshold >= 0.7, PMID: 27666373). To our knowledge, functional studies have not been reported for this variant. This variant has not been reported in individuals affected with MYH7-related disorders in the literature. This variant has not been identified in the general population by the Genome Aggregation Database (gnomAD). The available evidence is insufficient to determine the role of this variant in disease conclusively. Therefore, this variant is classified as a Variant of Uncertain Significance.

NM_000257.4(MYH7):c.3293A>G (p.Gln1098Arg)

Gene: MYH7 (myosin heavy chain 7; minus strand). Cytogenetic location: 14q11.2.
Variant type: single nucleotide variant.
Coding change: c.3293A>G on transcript NM_000257.4 (MANE Select); coding-DNA position 3293, A replaced by G.
Protein change: p.Gln1098Arg; replaces glutamine 1098 with arginine.
Molecular consequence: missense variant.
Genome position (GRCh38, 1-based): chr14:23,421,001, T>C on the plus strand (A>G on the coding strand, the complement: MYH7 is on the minus strand). VCF-style: chr14-23421001-T-C. GRCh37 (hg19) VCF-style: chr14-23890210-T-C.
Other names: c.3293A>G, p.Gln1098Arg (NM_001407004.1); short protein forms Q1098R.
Identifiers: ClinVar variation 3893825 (VCV003893825.1).
Genomic context (GRCh38, chr14:23,421,001, plus strand): 5'-GGGTGTCCAGACCTCACCTGAAGCTCCTTGAGCTTCTTCTGCAGCTGGCTGCCGAGGGCC[T>C]GTTCATCCTCAATCCTTGCGTTGAGAGCATTCAGCTCAAAGTCTTTTCTGTGGGGAAGGA-3'
Protein context (NP_000248.2, residues 1088-1108): NALNARIEDE[Gln1098Arg]ALGSQLQKKL